The following is an entry in ClinVar:

ClinVar aggregate classification (germline): Pathogenic. Review status: criteria provided, multiple submitters, no conflicts (2 of 4 stars). 5 submissions from 5 submitters: Pathogenic (4). 1 of the submissions does not count toward it. Last evaluated 2025-03-07.

Conditions:
X-linked intellectual disability, Cantagrel type (XLID98). Also called: INTELLECTUAL DEVELOPMENTAL DISORDER, X-LINKED 98. Identifiers: Orphanet 85277, MedGen C3806730, MONDO:0010483, OMIM 300912.
Epilepsy with myoclonic atonic seizures. Also called: Generalized myoclonic-atonic seizure; Myoclonic atonic seizures. Identifiers: Orphanet 1942, MedGen C0393702, MONDO:0014633, OMIM 616421, HP:0011170.

Submissions (5):

Laboratorio de Genetica e Diagnostico Molecular, Hospital Israelita Albert Einstein
Classification: Pathogenic for X-linked intellectual disability, Cantagrel type. Last evaluated: 2025-03-07. Review status: criteria provided, single submitter. Criteria: ACMG Guidelines, 2015. Collection method: clinical testing. Allele origin: germline. Affected: yes.
Comment: ACMG classification criteria: PVS1 very strong, PS4 supporting, PM2 supporting

GeneDx
Classification: Pathogenic. Last evaluated: 2025-01-14. Review status: criteria provided, single submitter. Criteria: GeneDx Variant Classification Process June 2021. Collection method: clinical testing. Allele origin: germline. Affected: yes.
Comment: Nonsense variant predicted to result in protein truncation or nonsense mediated decay in a gene for which loss of function is a known mechanism of disease; Not observed at significant frequency in large population cohorts (gnomAD); This variant is associated with the following publications: (PMID: 35982159, 33057194, 35599849, 37643945, 39129698)

Labcorp Genetics (formerly Invitae), Labcorp
Classification: Pathogenic. Last evaluated: 2022-10-04. Review status: criteria provided, single submitter. Criteria: Invitae Variant Classification Sherloc (09022015). Collection method: clinical testing. Allele origin: germline.
Comment: This sequence change creates a premature translational stop signal (p.Arg348*) in the NEXMIF gene. It is expected to result in an absent or disrupted protein product. Loss-of-function variants in NEXMIF are known to be pathogenic (PMID: 23615299). For these reasons, this variant has been classified as Pathogenic. Algorithms developed to predict the effect of sequence changes on RNA splicing suggest that this variant may create or strengthen a splice site. ClinVar contains an entry for this variant (Variation ID: 280835). This variant has not been reported in the literature in individuals affected with NEXMIF-related conditions. This variant is not present in population databases (gnomAD no frequency).

Unidad de Genómica Garrahan, Hospital de Pediatría Garrahan
Classification: Pathogenic for Epilepsy with myoclonic atonic seizures. Last evaluated: 2017-01-01. Review status: criteria provided, single submitter. Criteria: ACMG Guidelines, 2015. Collection method: clinical testing. Allele origin: de novo. Affected: yes. Observed: 1 variant allele.
Comment: PVS1, PM2, PM6.

Molecular Genetics Laboratory, BC Children's and BC Women's Hospitals
Classification: Pathogenic for X-linked intellectual disability, Cantagrel type. Last evaluated: 2018-06-28. Review status: no assertion criteria provided. Criteria: ACMG Guidelines, 2015. Collection method: clinical testing. Allele origin: de novo. Affected: yes. Not counted in ClinVar's aggregate classification.

Literature cited by the submitters: PubMed 23615299 (cited by Labcorp Genetics (formerly Invitae), Labcorp).

NM_001008537.3(NEXMIF):c.1042C>T (p.Arg348Ter)

Gene: NEXMIF (neurite extension and migration factor; minus strand). Cytogenetic location: Xq13.3.
Variant type: single nucleotide variant.
Coding change: c.1042C>T on transcript NM_001008537.3 (MANE Select); coding-DNA position 1042, C replaced by T.
Protein change: p.Arg348Ter; replaces arginine 348 with a stop codon.
Molecular consequence: nonsense.
Genome position (GRCh38, 1-based): chrX:74,743,515, G>A on the plus strand (C>T on the coding strand, the complement: NEXMIF is on the minus strand). VCF-style: chrX-74743515-G-A. GRCh37 (hg19) VCF-style: chrX-73963350-G-A.
Other names: NP_001008537.1:p.(Arg348Ter); short protein forms R348*.
Identifiers: ClinVar variation 280835 (VCV000280835.13), dbSNP rs886041971, ClinGen allele CA10603739.